The following is an entry in ClinVar:

ClinVar aggregate classification (germline): Benign/Likely benign. Review status: criteria provided, multiple submitters, no conflicts (2 of 4 stars). 7 submissions from 7 submitters: Benign (5); Likely benign (1). 1 of the submissions does not count toward it. Last evaluated 2026-02-02.

Conditions:
Glycine encephalopathy. Also called: Non-ketotic hyperglycinemia; Nonketotic hyperglycinemia. Identifiers: Orphanet 407, MedGen C0751748, MONDO:0011612, HP:0008288.

Allele frequency attached by ClinVar (database versions not stated): gnomAD exomes 0.00123 and 0.00318; ExAC 0.00389; gnomAD 0.01242 and 0.01328; ESP Exome Variant Server 0.01346; TOPMed 0.01389; 1000 Genomes Project 0.01418; 1000 Genomes Project 30x 0.01499.
gnomAD v4.1: 3,806 of 1,613,850 alleles (0.24%); highest among the groups gnomAD compares: African/African-American, 4.3%; 60 homozygotes.

Submissions (7):

Labcorp Genetics (formerly Invitae), Labcorp
Classification: Benign for Glycine encephalopathy. Last evaluated: 2026-02-02. Review status: criteria provided, single submitter. Criteria: Invitae Variant Classification Sherloc (09022015). Collection method: clinical testing. Allele origin: germline.

Athena Diagnostics
Classification: Benign. Last evaluated: 2025-03-03. Review status: criteria provided, single submitter. Criteria: Athena Diagnostics Criteria. Collection method: clinical testing. Allele origin: unknown.
Comment: The frequency of this variant in the general population is higher than would generally be expected for pathogenic variants in this gene.

Blueprint Genetics
Classification: Likely benign. Last evaluated: 2024-11-13. Review status: criteria provided, single submitter. Criteria: ACMG Guidelines, 2015. Collection method: clinical testing. Allele origin: germline.

GeneDx
Classification: Benign. Last evaluated: 2020-09-09. Review status: criteria provided, single submitter. Criteria: GeneDx Variant Classification Process June 2021. Collection method: clinical testing. Allele origin: germline. Affected: yes.

Illumina Laboratory Services, Illumina
Classification: Benign for Glycine encephalopathy 1. Last evaluated: 2018-01-12. Review status: criteria provided, single submitter. Criteria: ICSL Variant Classification Criteria 13 December 2019. Collection method: clinical testing. Allele origin: germline.
Comment: This variant was observed in the ICSL laboratory as part of a predisposition screen in an ostensibly healthy population. It had not been previously curated by ICSL or reported in the Human Gene Mutation Database (HGMD: prior to June 1st, 2018), and was therefore a candidate for classification through an automated scoring system. Utilizing variant allele frequency, disease prevalence and penetrance estimates, and inheritance mode, an automated score was calculated to assess if this variant is too frequent to cause the disease. Based on the score and internal cut-off values, a variant classified as benign is not then subjected to further curation. The score for this variant resulted in a classification of benign for this disease.

Breakthrough Genomics
Classification: Benign. Review status: criteria provided, single submitter. Criteria: ACMG Guidelines, 2015. Collection method: not provided. Allele origin: germline. Inheritance: Autosomal recessive inheritance. Affected: yes.

Natera, Inc.
Classification: Benign for Non-ketotic hyperglycinemia. Last evaluated: 2020-09-16. Review status: no assertion criteria provided. Collection method: clinical testing. Allele origin: germline. Not counted in ClinVar's aggregate classification.

NM_000170.3(GLDC):c.1815C>T (p.Leu605=)

Gene: GLDC (glycine decarboxylase; minus strand). Cytogenetic location: 9p24.1.
Variant type: single nucleotide variant.
Coding change: c.1815C>T on transcript NM_000170.3 (MANE Select); coding-DNA position 1815, C replaced by T.
Protein change: p.Leu605=; no amino-acid change (leucine 605 retained).
Molecular consequence: synonymous variant.
Genome position (GRCh38, 1-based): chr9:6,587,176, G>A on the plus strand (C>T on the coding strand, the complement: GLDC is on the minus strand). VCF-style: chr9-6587176-G-A. GRCh37 (hg19) VCF-style: chr9-6587176-G-A.
Identifiers: ClinVar variation 367185 (VCV000367185.26), dbSNP rs74461075, ClinGen allele CA4980534.